The following is an entry in ClinVar:

ClinVar aggregate classification (germline): Uncertain significance. Review status: criteria provided, single submitter (1 of 4 stars). 2 submissions from 2 submitters: Uncertain significance (1). 1 of the submissions does not count toward it. Last evaluated 2024-10-15.

Conditions:
WNK1-related disorder. Also called: WNK1-related condition.
Neuropathy, hereditary sensory and autonomic, type 2A (HSAN2A). Also called: ACROOSTEOLYSIS, GIACCAI TYPE; ACROOSTEOLYSIS, NEUROGENIC; MORVAN DISEASE; NEUROPATHY, CONGENITAL SENSORY; NEUROPATHY, HEREDITARY SENSORY RADICULAR, AUTOSOMAL RECESSIVE; NEUROPATHY, HEREDITARY SENSORY, TYPE IIA. Identifiers: Orphanet 970, MedGen C2752089, MONDO:0024309, OMIM 201300.
Pseudohypoaldosteronism type 2C (PHA2C). Also called: Pseudohypoaldosteronism Type IIC. Identifiers: Orphanet 757, Orphanet 88940, MedGen C1840391, MONDO:0013778, OMIM 614492.

Allele frequency attached by ClinVar (database versions not stated): gnomAD exomes below 0.00001; gnomAD 0.00002; TOPMed 0.00002.
gnomAD v4.1: 8 of 1,613,964 alleles (0.0005%); highest among the groups gnomAD compares: African/African-American, 0.008%; no homozygotes.

Submissions (2):

Labcorp Genetics (formerly Invitae), Labcorp
Classification: Uncertain significance for Neuropathy, hereditary sensory and autonomic, type 2A; Pseudohypoaldosteronism type 2C. Last evaluated: 2024-10-15. Review status: criteria provided, single submitter. Criteria: Invitae Variant Classification Sherloc (09022015). Collection method: clinical testing. Allele origin: germline.
Comment: This sequence change replaces glutamine, which is neutral and polar, with glutamic acid, which is acidic and polar, at codon 2484 of the WNK1 protein (p.Gln2484Glu). This variant is present in population databases (no rsID available, gnomAD 0.003%). This variant has not been reported in the literature in individuals affected with WNK1-related conditions. ClinVar contains an entry for this variant (Variation ID: 2076106). Invitae Evidence Modeling of protein sequence and biophysical properties (such as structural, functional, and spatial information, amino acid conservation, physicochemical variation, residue mobility, and thermodynamic stability) indicates that this missense variant is not expected to disrupt WNK1 protein function with a negative predictive value of 95%. In summary, the available evidence is currently insufficient to determine the role of this variant in disease. Therefore, it has been classified as a Variant of Uncertain Significance.

PreventionGenetics, part of Exact Sciences
Classification: Uncertain significance for WNK1-related condition. Last evaluated: 2024-08-28. Review status: no assertion criteria provided. Collection method: clinical testing. Allele origin: germline. Not counted in ClinVar's aggregate classification.
Comment: The WNK1 c.6694C>G variant is predicted to result in the amino acid substitution p.Gln2232Glu. To our knowledge, this variant has not been reported in the literature. This variant is reported in 0.0029% of alleles in individuals of Latino descent in gnomAD. At this time, the clinical significance of this variant is uncertain due to the absence of conclusive functional and genetic evidence.

NM_018979.4(WNK1):c.6694C>G (p.Gln2232Glu)

Gene: WNK1 (WNK lysine deficient protein kinase 1; plus strand). Cytogenetic location: 12p13.33.
Variant type: single nucleotide variant.
Coding change: c.6694C>G on transcript NM_018979.4 (MANE Select); coding-DNA position 6694, C replaced by G.
Protein change: p.Gln2232Glu; replaces glutamine 2232 with glutamic acid.
Molecular consequence: missense variant.
Genome position (GRCh38, 1-based): chr12:907,897, C>G. VCF-style: chr12-907897-C-G. GRCh37 (hg19) VCF-style: chr12-1017063-C-G.
Other names: c.6694C>G (NM_018979.3); c.7474C>G, p.Gln2492Glu (NM_001184985.2); c.5950C>G, p.Gln1984Glu (NM_014823.3); c.7450C>G, p.Gln2484Glu (NM_213655.5); short protein forms Q1984E, Q2492E, Q2232E, Q2484E.
Identifiers: ClinVar variation 2076106 (VCV002076106.5), dbSNP rs1052286273, ClinGen allele CA231497528.